The following is an entry in ClinVar:

NM_003719.5(PDE8B):c.1760G>A (p.Cys587Tyr)

Gene: PDE8B (phosphodiesterase 8B; plus strand). Cytogenetic location: 5q13.3.
Variant type: single nucleotide variant.
Coding change: c.1760G>A on transcript NM_003719.5 (MANE Select); coding-DNA position 1760, G replaced by A.
Protein change: p.Cys587Tyr; replaces cysteine 587 with tyrosine.
Molecular consequence: missense variant.
Genome position (GRCh38, 1-based): chr5:77,413,158, G>A. VCF-style: chr5-77413158-G-A. GRCh37 (hg19) VCF-style: chr5-76708983-G-A.
Other names: c.1469G>A, p.Cys490Tyr (NM_001029851.4); c.1595G>A, p.Cys532Tyr (NM_001029852.4); c.1700G>A, p.Cys567Tyr (NM_001029853.4); c.1619G>A, p.Cys540Tyr (NM_001029854.4); c.1757G>A, p.Cys586Tyr (NM_001349748.3, NM_001349751.3); c.1823G>A, p.Cys608Tyr (NM_001349749.3); c.1520G>A, p.Cys507Tyr (NM_001349750.3); c.1454G>A, p.Cys485Tyr (NM_001349752.3); and 12 more; short protein forms C389Y, C459Y, C463Y, C466Y, C567Y, C584Y, C586Y, C587Y.
Identifiers: ClinVar variation 2988416 (VCV002988416.3), dbSNP rs1345385579, ClinGen allele CA360180429.

ClinVar aggregate classification (germline): Uncertain significance (1 of 4 stars; one submission).

Allele frequency attached by ClinVar (database versions not stated): gnomAD exomes below 0.00001.
gnomAD v4.1: 2 of 1,614,064 alleles (0.00012%); highest among the groups gnomAD compares: Non-Finnish European, 0.00017%; no homozygotes.

Submission:

Labcorp Genetics (formerly Invitae), Labcorp
Classification: Uncertain significance. Last evaluated: 2023-08-27. Review status: criteria provided, single submitter. Criteria: Invitae Variant Classification Sherloc (09022015). Collection method: clinical testing. Allele origin: germline.
Comment: This sequence change replaces cysteine, which is neutral and slightly polar, with tyrosine, which is neutral and polar, at codon 587 of the PDE8B protein (p.Cys587Tyr). This variant is present in population databases (no rsID available, gnomAD 0.0009%). This variant has not been reported in the literature in individuals affected with PDE8B-related conditions. An algorithm developed to predict the effect of missense changes on protein structure and function (PolyPhen-2) suggests that this variant is likely to be tolerated. In summary, the available evidence is currently insufficient to determine the role of this variant in disease. Therefore, it has been classified as a Variant of Uncertain Significance.